The following is an entry in ClinVar:

ClinVar aggregate classification (germline): Uncertain significance (1 of 4 stars; one submission).

Conditions:
Hereditary spastic paraplegia 49 (HSAN9). Also called: TECPR2-Related Hereditary Sensory and Autonomic Neuropathy with Intellectual Disability; Spastic paraplegia 49, autosomal recessive; NEUROPATHY, HEREDITARY SENSORY AND AUTONOMIC, TYPE IX, WITH DEVELOPMENTAL DELAY. Identifiers: Orphanet 320385, MedGen C5190860, MONDO:0014016, OMIM 615031.

Submission:

Labcorp Genetics (formerly Invitae), Labcorp
Classification: Uncertain significance for Hereditary spastic paraplegia 49. Last evaluated: 2018-01-20. Review status: criteria provided, single submitter. Criteria: Invitae Variant Classification Sherloc (09022015). Collection method: clinical testing. Allele origin: germline.
Comment: In summary, the available evidence is currently insufficient to determine the role of this variant in disease. Therefore, it has been classified as a Variant of Uncertain Significance. This sequence change replaces alanine with threonine at codon 660 of the TECPR2 protein (p.Ala660Thr). The alanine residue is weakly conserved and there is a small physicochemical difference between alanine and threonine. This variant is not present in population databases (ExAC no frequency). This variant has not been reported in the literature in individuals with TECPR2-related disease. Algorithms developed to predict the effect of missense changes on protein structure and function output the following: SIFT: "Tolerated"; PolyPhen-2: "Benign"; Align-GVGD: "Class C0". The threonine amino acid residue is found in multiple mammalian species, suggesting that this missense change does not adversely affect protein function. These predictions have not been confirmed by published functional studies and their clinical significance is uncertain.

NM_014844.5(TECPR2):c.1978G>A (p.Ala660Thr)

Gene: TECPR2 (tectonin beta-propeller repeat containing 2; plus strand). Cytogenetic location: 14q32.31.
Variant type: single nucleotide variant.
Coding change: c.1978G>A on transcript NM_014844.5 (MANE Select); coding-DNA position 1978, G replaced by A.
Protein change: p.Ala660Thr; replaces alanine 660 with threonine.
Molecular consequence: missense variant.
Genome position (GRCh38, 1-based): chr14:102,434,795, G>A. VCF-style: chr14-102434795-G-A. GRCh37 (hg19) VCF-style: chr14-102901132-G-A.
Other names: c.1978G>A, p.Ala660Thr (NM_001172631.3); short protein forms A660T.
Identifiers: ClinVar variation 566905 (VCV000566905.9), dbSNP rs1567340028, ClinGen allele CA391061573.
Genomic context (GRCh38, chr14:102,434,795, plus strand): 5'-TGTGAAGTCCCCCTCCTGAACTCACTCACTGTGCCTTCCAGCCTCAGCTGGGCCCCAAGT[G>A]CTGAACAGTGGCTGCCTGGGACCAGAGCTGATGAAGGCAGCCCCGTGGAGCCCAGCCAAG-3'
Protein context (NP_055659.2, residues 650-670): VPSSLSWAPS[Ala660Thr]EQWLPGTRAD